The following is an entry in ClinVar:

NM_001006658.3(CR2):c.1834A>G (p.Lys612Glu)

Gene: CR2 (complement C3d receptor 2; plus strand). Cytogenetic location: 1q32.2.
Variant type: single nucleotide variant.
Coding change: c.1834A>G on transcript NM_001006658.3 (MANE Select); coding-DNA position 1834, A replaced by G.
Protein change: p.Lys612Glu; replaces lysine 612 with glutamic acid.
Molecular consequence: missense variant.
Genome position (GRCh38, 1-based): chr1:207,473,035, A>G. VCF-style: chr1-207473035-A-G. GRCh37 (hg19) VCF-style: chr1-207646380-A-G.
Other names: c.1834A>G, p.Lys612Glu (NM_001877.5); short protein forms K612E.
Identifiers: ClinVar variation 834854 (VCV000834854.9), dbSNP rs1658330531, ClinGen allele CA344534724.
Genomic context (GRCh38, chr1:207,473,035, plus strand): 5'-CTGTGTAAACTTTCCCTCCTTGCTGTCCAGTGCTCACATGTCCATATTGCAAATGGATAC[A>G]AGATATCTGGCAAGGAAGCCCCATATTTCTACAATGACACTGTGACATTCAAGTGTTATA-3'
Protein context (NP_001006659.1, residues 602-622): CSHVHIANGY[Lys612Glu]ISGKEAPYFY

ClinVar aggregate classification (germline): Uncertain significance (1 of 4 stars; one submission).

Conditions:
Immunodeficiency, common variable, 7. Identifiers: Orphanet 1572, Orphanet 696894, MedGen C3542922, MONDO:0013862, OMIM 614699.

Submission:

Labcorp Genetics (formerly Invitae), Labcorp
Classification: Uncertain significance for Immunodeficiency, common variable, 7. Last evaluated: 2019-12-03. Review status: criteria provided, single submitter. Criteria: Invitae Variant Classification Sherloc (09022015). Collection method: clinical testing. Allele origin: germline.
Comment: This variant is not present in population databases (ExAC no frequency). This sequence change replaces lysine with glutamic acid at codon 612 of the CR2 protein (p.Lys612Glu). The lysine residue is highly conserved and there is a small physicochemical difference between lysine and glutamic acid. This variant has not been reported in the literature in individuals with CR2-related conditions. In summary, the available evidence is currently insufficient to determine the role of this variant in disease. Therefore, it has been classified as a Variant of Uncertain Significance. Algorithms developed to predict the effect of missense changes on protein structure and function (SIFT, PolyPhen-2, Align-GVGD) all suggest that this variant is likely to be tolerated, but these predictions have not been confirmed by published functional studies and their clinical significance is uncertain.